The following is an entry in ClinVar:

ClinVar aggregate classification (germline): Uncertain significance. Review status: criteria provided, multiple submitters, no conflicts (2 of 4 stars). 3 submissions from 3 submitters: Uncertain significance (3). Last evaluated 2024-01-08.

Conditions:
Arrhythmogenic right ventricular dysplasia 9 (ARVD9). Also called: ARRHYTHMOGENIC RIGHT VENTRICULAR DYSPLASIA, FAMILIAL, 9; Arrhythmogenic Right Ventricular Dysplasia/Cardiomyopathy 9. Identifiers: MedGen C1836906, MONDO:0012180, OMIM 609040.
Cardiomyopathy (CMYO). Also called: Cardiomyopathies. Identifiers: Orphanet 167848, MedGen C0878544, MONDO:0004994, HP:0001638. Inheritance: Various modes of inheritance.
Arrhythmogenic right ventricular cardiomyopathy (ARVD). Also called: Arrhythmogenic right ventricular dysplasia; Cardiomyopathy, ARVC; Arrhythmogenic cardiomyopathy; Arrhythmogenic Right Ventricular Cardiomyopathy (ARVC). Identifiers: Orphanet 247, MedGen C0349788, MeSH D019571, MONDO:0016587. Disease mechanism: loss of function. Inheritance: Various modes of inheritance.

gnomAD v4.1: 1 of 648,138 alleles (0.00015%); no homozygotes.

Submissions (3):

All of Us Research Program, National Institutes of Health
Classification: Uncertain significance for Arrhythmogenic right ventricular cardiomyopathy. Last evaluated: 2024-01-08. Review status: criteria provided, single submitter. Criteria: ACMG Guidelines, 2015. Collection method: clinical testing. Allele origin: germline. Inheritance: Autosomal dominant inheritance. Observed: 3 variant alleles, 3 heterozygotes.
Comment: This missense variant replaces arginine with tryptophan at codon 493 of the PKP2 protein. Computational prediction suggests that this variant may not impact protein structure and function (internally defined REVEL score threshold <= 0.5, PMID: 27666373). To our knowledge, functional studies have not been reported for this variant. This variant has not been reported in individuals affected with PKP2-related disorders in the literature. This variant has not been identified in the general population by the Genome Aggregation Database (gnomAD). The available evidence is insufficient to determine the role of this variant in disease conclusively. Therefore, this variant is classified as a Variant of Uncertain Significance.

This study involves interpretation of variants in research participants for the purpose of population health screening. Participant phenotype was not available at the time of variant classification. Additional details can be found in publication PMID: 35346344, PMCID: PMC8962531

Color Diagnostics, LLC DBA Color Health
Classification: Uncertain significance for Cardiomyopathy. Last evaluated: 2023-11-08. Review status: criteria provided, single submitter. Criteria: ACMG Guidelines, 2015. Collection method: clinical testing. Allele origin: germline.
Comment: This missense variant replaces arginine with tryptophan at codon 493 of the PKP2 protein. Computational prediction suggests that this variant may not impact protein structure and function (internally defined REVEL score threshold <= 0.5, PMID: 27666373). To our knowledge, functional studies have not been reported for this variant. This variant has not been reported in individuals affected with PKP2-related disorders in the literature. This variant has not been identified in the general population by the Genome Aggregation Database (gnomAD). The available evidence is insufficient to determine the role of this variant in disease conclusively. Therefore, this variant is classified as a Variant of Uncertain Significance.

Labcorp Genetics (formerly Invitae), Labcorp
Classification: Uncertain significance for Arrhythmogenic right ventricular dysplasia 9. Last evaluated: 2023-08-01. Review status: criteria provided, single submitter. Criteria: Invitae Variant Classification Sherloc (09022015). Collection method: clinical testing. Allele origin: germline.
Comment: In summary, the available evidence is currently insufficient to determine the role of this variant in disease. Therefore, it has been classified as a Variant of Uncertain Significance. An algorithm developed to predict the effect of missense changes on protein structure and function (PolyPhen-2) suggests that this variant is likely to be tolerated. This variant has not been reported in the literature in individuals affected with PKP2-related conditions. This variant is not present in population databases (gnomAD no frequency). This sequence change replaces arginine, which is basic and polar, with tryptophan, which is neutral and slightly polar, at codon 493 of the PKP2 protein (p.Arg493Trp).

NM_001005242.3(PKP2):c.1379-2010A>T

Gene: PKP2 (plakophilin 2; minus strand). Cytogenetic location: 12p11.21.
Variant type: single nucleotide variant.
Coding change: c.1379-2010A>T on transcript NM_001005242.3 (MANE Select); 2010 bases into the intron before coding-DNA position 1379, A replaced by T.
Molecular consequence: intron variant. On other transcripts: missense variant (2).
Genome position (GRCh38, 1-based): chr12:32,843,215, T>A on the plus strand (A>T on the coding strand, the complement: PKP2 is on the minus strand). VCF-style: chr12-32843215-T-A. GRCh37 (hg19) VCF-style: chr12-32996149-T-A.
Other names: c.1052-2010A>T (NM_001407160.1, NM_001407159.1, NM_001407158.1 and 1 more transcripts); c.1379-2010A>T (NM_001407161.1, NM_001407156.1, NM_001407155.1); c.1477A>T, p.Arg493Trp (NM_004572.4, NM_001407157.1); short protein forms R493W.
Identifiers: ClinVar variation 2782138 (VCV002782138.5), dbSNP rs1382350974, ClinGen allele CA384368613.
Genomic context (GRCh38, chr12:32,843,215, plus strand): 5'-TATTTTGAGTAGAGACAGGGGTCTCACCATGTTGGTCAGGCTGGTCTCGAACTCCTGACC[T>A]CGTGATCCGCCCGCCTTGGCCTCCCAAAGTGCTGGGATTACAGGCGTGAGCCACCGCGCC-3'